The following is an entry in ClinVar:

ClinVar aggregate classification (germline): Likely benign (1 of 4 stars; one submission).

Allele frequency attached by ClinVar (database versions not stated): gnomAD 0.00001; TOPMed 0.00002.

Submission:

CeGaT Center for Human Genetics Tuebingen
Classification: Likely benign. Last evaluated: 2022-03-01. Review status: criteria provided, single submitter. Criteria: CeGaT Center For Human Genetics Tuebingen Variant Classification Criteria Version 2. Collection method: clinical testing. Allele origin: germline. Affected: yes. Observed: 1 variant allele.
Comment: R3HCC1L: BP4, BP7

NM_001351015.2(R3HCC1L):c.1785+1410G>A

Gene: R3HCC1L (R3H domain and coiled-coil containing 1 like; plus strand). Cytogenetic location: 10q24.2.
Variant type: single nucleotide variant.
Coding change: c.1785+1410G>A on transcript NM_001351015.2 (MANE Select); 1410 bases into the intron after coding-DNA position 1785, G replaced by A.
Molecular consequence: intron variant. On other transcripts: synonymous variant (1).
Genome position (GRCh38, 1-based): chr10:98,211,309, G>A. VCF-style: chr10-98211309-G-A. GRCh37 (hg19) VCF-style: chr10-99971066-G-A.
Other names: c.1788G>A, p.Gly596= (NM_001256619.2); c.1785+1410G>A (NM_001351012.2, NM_001351010.2, NM_001351011.2 and 7 more transcripts); c.4-20203G>A (NM_001256621.2).
Identifiers: ClinVar variation 2640741 (VCV002640741.24), dbSNP rs1016392213, ClinGen allele CA212755485.